The following is an entry in ClinVar:

NM_022489.4(INF2):c.3604T>C (p.Ser1202Pro)

Gene: INF2 (inverted formin 2; plus strand). Cytogenetic location: 14q32.33.
Variant type: single nucleotide variant.
Coding change: c.3604T>C on transcript NM_022489.4 (MANE Select); coding-DNA position 3604, T replaced by C.
Protein change: p.Ser1202Pro; replaces serine 1202 with proline.
Molecular consequence: missense variant.
Genome position (GRCh38, 1-based): chr14:104,714,766, T>C. VCF-style: chr14-104714766-T-C. GRCh37 (hg19) VCF-style: chr14-105181103-T-C.
Other names: c.3604T>C, p.Ser1202Pro (NM_001031714.4); short protein forms S1202P.
Identifiers: ClinVar variation 1021272 (VCV001021272.8), dbSNP rs1890213193, ClinGen allele CA391225466.

ClinVar aggregate classification (germline): Uncertain significance (1 of 4 stars; one submission).

Conditions:
Focal segmental glomerulosclerosis 5 (FSGS5). Identifiers: Orphanet 656, MedGen C2750475, MONDO:0013191, OMIM 613237.
Charcot-Marie-Tooth disease dominant intermediate E. Also called: CHARCOT-MARIE-TOOTH NEUROPATHY WITH FOCAL SEGMENTAL GLOMERULONEPHRITIS. Identifiers: Orphanet 93114, MedGen C4302667, MONDO:0013758, OMIM 614455.

Submission:

Labcorp Genetics (formerly Invitae), Labcorp
Classification: Uncertain significance for Charcot-Marie-Tooth disease dominant intermediate E; Focal segmental glomerulosclerosis 5. Last evaluated: 2022-08-16. Review status: criteria provided, single submitter. Criteria: Invitae Variant Classification Sherloc (09022015). Collection method: clinical testing. Allele origin: germline.
Comment: This variant has not been reported in the literature in individuals affected with INF2-related conditions. ClinVar contains an entry for this variant (Variation ID: 1021272). Algorithms developed to predict the effect of missense changes on protein structure and function output the following: SIFT: "Deleterious"; PolyPhen-2: "Benign"; Align-GVGD: "Class C0". The proline amino acid residue is found in multiple mammalian species, which suggests that this missense change does not adversely affect protein function. In summary, the available evidence is currently insufficient to determine the role of this variant in disease. Therefore, it has been classified as a Variant of Uncertain Significance. This sequence change replaces serine, which is neutral and polar, with proline, which is neutral and non-polar, at codon 1202 of the INF2 protein (p.Ser1202Pro). This variant is not present in population databases (gnomAD no frequency).